The following is an entry in ClinVar:

NM_001042492.3(NF1):c.4897C>G (p.Pro1633Ala)

Gene: NF1 (neurofibromin 1; plus strand). Cytogenetic location: 17q11.2.
Variant type: single nucleotide variant.
Coding change: c.4897C>G on transcript NM_001042492.3 (MANE Select); coding-DNA position 4897, C replaced by G.
Protein change: p.Pro1633Ala; replaces proline 1633 with alanine.
Molecular consequence: missense variant.
Genome position (GRCh38, 1-based): chr17:31,325,881, C>G. VCF-style: chr17-31325881-C-G. GRCh37 (hg19) VCF-style: chr17-29652899-C-G.
Other names: c.4834C>G, p.Pro1612Ala (NM_000267.4); short protein forms P1612A, P1633A.
Identifiers: ClinVar variation 3237806 (VCV003237806.1), dbSNP rs1567611255.

ClinVar aggregate classification (germline): Uncertain significance (1 of 4 stars; one submission).

Conditions:
Hereditary cancer-predisposing syndrome. Also called: Neoplastic Syndromes, Hereditary; Tumor predisposition; Hereditary neoplastic syndrome; Hereditary Cancer Syndrome. Identifiers: Orphanet 140162, MedGen C0027672, MeSH D009386, MONDO:0015356.
Cardiovascular phenotype. Identifiers: MedGen CN230736.

Submission:

Ambry Genetics
Classification: Uncertain significance for Cardiovascular phenotype; Hereditary cancer-predisposing syndrome. Last evaluated: 2023-12-24. Review status: criteria provided, single submitter. Criteria: Ambry Variant Classification Scheme 2023. Collection method: clinical testing. Allele origin: germline.
Comment: The p.P1612A variant (also known as c.4834C>G), located in coding exon 36 of the NF1 gene, results from a C to G substitution at nucleotide position 4834. The proline at codon 1612 is replaced by alanine, an amino acid with highly similar properties. This amino acid position is conserved. In addition, the in silico prediction for this alteration is inconclusive. Since supporting evidence is limited at this time, the clinical significance of this alteration remains unclear.